The following is an entry in ClinVar:

NM_018051.5(DYNC2I1):c.1438C>T (p.Arg480Trp)

Gene: DYNC2I1 (dynein 2 intermediate chain 1; plus strand). Cytogenetic location: 7q36.3.
Variant type: single nucleotide variant.
Coding change: c.1438C>T on transcript NM_018051.5 (MANE Select); coding-DNA position 1438, C replaced by T.
Protein change: p.Arg480Trp; replaces arginine 480 with tryptophan.
Molecular consequence: missense variant. On other transcripts: intron variant (1).
Genome position (GRCh38, 1-based): chr7:158,906,069, C>T. VCF-style: chr7-158906069-C-T. GRCh37 (hg19) VCF-style: chr7-158698760-C-T.
Other names: c.1300C>T, p.Arg434Trp (NM_001350914.2); c.865C>T, p.Arg289Trp (NM_001350915.2); c.190C>T, p.Arg64Trp (NM_001350917.2, NM_001350918.2); c.-2+3474C>T (NM_001350916.2); short protein forms R289W, R434W, R480W, R64W.
Identifiers: ClinVar variation 1680674 (VCV001680674.7), dbSNP rs370385731, ClinGen allele CA4594629.
Genomic context (GRCh38, chr7:158,906,069, plus strand): 5'-AGAGCCTCTGTTTGTGGAATTTTTGTGGATTTTGCCTCAGCTTCACACCGTCAAAAGAGT[C>T]GGACTCAGGCCCTTAAGCAAAAGTAGGTGTATTGGGAAAGCAGCCAAAGGTGTTCAGGGT-3'
Protein context (NP_060521.4, residues 470-490): FASASHRQKS[Arg480Trp]TQALKQKMRS

ClinVar aggregate classification (germline): Uncertain significance. Review status: criteria provided, multiple submitters, no conflicts (2 of 4 stars). 2 submissions from 2 submitters: Uncertain significance (2). Last evaluated 2022-08-23.

Conditions:
Short-rib thoracic dysplasia 8 with or without polydactyly (SRTD8). Also called: SHORT-RIB THORACIC DYSPLASIA 8 WITH POLYDACTYLY. Identifiers: Orphanet 93271, MedGen C3809691, MONDO:0014214, OMIM 615503.

Allele frequency attached by ClinVar (database versions not stated): TOPMed 0.00002; gnomAD 0.00003; ExAC 0.00005; ESP Exome Variant Server 0.00008.
gnomAD v4.1: 22 of 1,613,356 alleles (0.0014%); highest among the groups gnomAD compares: East Asian, 0.013%; no homozygotes.

Submissions (2):

Labcorp Genetics (formerly Invitae), Labcorp
Classification: Uncertain significance for Short-rib thoracic dysplasia 8 with or without polydactyly. Last evaluated: 2022-08-23. Review status: criteria provided, single submitter. Criteria: Invitae Variant Classification Sherloc (09022015). Collection method: clinical testing. Allele origin: germline.
Comment: This sequence change replaces arginine, which is basic and polar, with tryptophan, which is neutral and slightly polar, at codon 480 of the WDR60 protein (p.Arg480Trp). This variant is present in population databases (rs370385731, gnomAD 0.04%). This variant has not been reported in the literature in individuals affected with WDR60-related conditions. ClinVar contains an entry for this variant (Variation ID: 1680674). Algorithms developed to predict the effect of missense changes on protein structure and function are either unavailable or do not agree on the potential impact of this missense change (SIFT: "Deleterious"; PolyPhen-2: "Possibly Damaging"; Align-GVGD: "Class C0"). Algorithms developed to predict the effect of sequence changes on RNA splicing suggest that this variant may disrupt the consensus splice site. In summary, the available evidence is currently insufficient to determine the role of this variant in disease. Therefore, it has been classified as a Variant of Uncertain Significance.

Juno Genomics, Hangzhou Juno Genomics, Inc
Classification: Uncertain significance for Short-rib thoracic dysplasia 8 with or without polydactyly. Review status: criteria provided, single submitter. Criteria: ACMG Guidelines, 2015. Collection method: clinical testing. Allele origin: germline.
Comment: Absent from controls (or at extremely low frequency if recessive) in Genome Aggregation Database.;Multiple lines of computational evidence support a deleterious effect on the gene or gene product.